The following is an entry in ClinVar:

ClinVar aggregate classification (germline): Uncertain significance (1 of 4 stars; one submission).

Conditions:
Infantile spasms. Also called: Infantile spasm. Identifiers: MedGen C3887898, HP:0012469.

Submission:

Labcorp Genetics (formerly Invitae), Labcorp
Classification: Uncertain significance for Infantile spasms. Last evaluated: 2020-11-11. Review status: criteria provided, single submitter. Criteria: Invitae Variant Classification Sherloc (09022015). Collection method: clinical testing. Allele origin: germline.
Comment: In summary, the available evidence is currently insufficient to determine the role of this variant in disease. Therefore, it has been classified as a Variant of Uncertain Significance. Nucleotide substitutions within the consensus splice site are a relatively common cause of aberrant splicing (PMID: 17576681, 9536098). Algorithms developed to predict the effect of sequence changes on RNA splicing suggest that this variant may disrupt the consensus splice site, but this prediction has not been confirmed by published transcriptional studies. This variant has not been reported in the literature in individuals with PIK3AP1-related conditions. This variant is not present in population databases (ExAC no frequency). This sequence change falls in intron 3 of the PIK3AP1 gene. It does not directly change the encoded amino acid sequence of the PIK3AP1 protein. It affects a nucleotide within the consensus splice site of the intron.

Literature cited by the submitters: PubMed 17576681; PubMed 9536098.

NM_152309.3(PIK3AP1):c.567+5G>T

Gene: PIK3AP1 (phosphoinositide-3-kinase adaptor protein 1; minus strand). Cytogenetic location: 10q24.1.
Variant type: single nucleotide variant.
Coding change: c.567+5G>T on transcript NM_152309.3 (MANE Select); 5 bases into the intron after coding-DNA position 567, G replaced by T.
Molecular consequence: intron variant.
Genome position (GRCh38, 1-based): chr10:96,656,793, C>A on the plus strand (G>T on the coding strand, the complement: PIK3AP1 is on the minus strand). VCF-style: chr10-96656793-C-A. GRCh37 (hg19) VCF-style: chr10-98416550-C-A.
Identifiers: ClinVar variation 1346131 (VCV001346131.6), dbSNP rs2134239266, ClinGen allele CA2573145939.
Genomic context (GRCh38, chr10:96,656,793, plus strand): 5'-CAAATGCATGCATTTGAAAAGCCCAAGTGCTGACATCCAGCTACCAGGCCCCCAGCAGTG[C>A]CTACCCCACAGCGAATGCGGTCCGGCTGCACCACCATCAGGTTCCCAGGTGAAGTCACCG-3'